The following is an entry in ClinVar:

ClinVar aggregate classification (germline): Conflicting classifications of pathogenicity. Review status: criteria provided, conflicting classifications (1 of 4 stars). 5 submissions from 5 submitters: Pathogenic (1); Likely pathogenic (2); Uncertain significance (2). Last evaluated 2025-11-17.

Conditions:
Hereditary cancer-predisposing syndrome. Also called: Tumor predisposition; Neoplastic Syndromes, Hereditary; Hereditary Cancer Syndrome; Hereditary neoplastic syndrome. Identifiers: Orphanet 140162, MedGen C0027672, MeSH D009386, MONDO:0015356.
Hereditary breast ovarian cancer syndrome. Also called: Hereditary breast and ovarian cancer syndrome (HBOC); Hereditary breast and ovarian cancer; Hereditary breast and ovarian cancer syndrome; Hereditary breast and/or ovarian cancer syndrome; Breast and ovarian cancer; BRCA1- and BRCA2-Associated Hereditary Breast and Ovarian Cancer. Identifiers: Orphanet 145, MedGen C0677776, MeSH D061325, MONDO:0003582. Disease mechanism: loss of function.
Breast-ovarian cancer, familial, susceptibility to, 2 (BROVCA2). Also called: BRCA2 Hereditary Breast and Ovarian Cancer. Identifiers: Orphanet 145, MedGen C2675520, MONDO:0012933, OMIM 612555. Disease mechanism: loss of function.
Familial cancer of breast. Also called: Hereditary breast cancer; BREAST CANCER, FAMILIAL; hereditary breast carcinoma. Identifiers: Orphanet 227535, MedGen C0346153, MONDO:0016419, OMIM 114480. Disease mechanism: loss of function.

Allele frequency attached by ClinVar (database versions not stated): gnomAD exomes below 0.00001.

Submissions (5):

Labcorp Genetics (formerly Invitae), Labcorp
Classification: Pathogenic for Hereditary breast ovarian cancer syndrome. Last evaluated: 2025-11-17. Review status: criteria provided, single submitter. Criteria: Invitae Variant Classification Sherloc (09022015). Collection method: clinical testing. Allele origin: germline.
Comment: This sequence change falls in intron 18 of the BRCA2 gene. It does not directly change the encoded amino acid sequence of the BRCA2 protein. RNA analysis indicates that this variant induces altered splicing and likely results in a shortened protein product. This variant is not present in population databases (gnomAD no frequency). This variant has been observed in individual(s) with ovarian cancer (PMID: 31368036). ClinVar contains an entry for this variant (Variation ID: 141899). Variants that disrupt the consensus splice site are a relatively common cause of aberrant splicing (PMID: 17576681, 9536098). Studies have shown that this variant results in skipping of exon 19, but is expected to preserve the integrity of the reading-frame (internal data). Other variant(s) that result in the loss of exon 19 have been determined to be pathogenic (PMID: 12442275, 15889636, 16030099, 23108138, 23233716, 23479189, 25777348). This suggests that this variant may also be clinically significant and likely to be disease-causing. For these reasons, this variant has been classified as Pathogenic.

Quest Diagnostics Nichols Institute San Juan Capistrano
Classification: Uncertain significance. Last evaluated: 2025-02-24. Review status: criteria provided, single submitter. Criteria: Quest Diagnostics criteria. Collection method: clinical testing. Allele origin: unknown.
Comment: The BRCA2 c.8332-3C>G variant has been reported in the published literature in individuals with breast cancer (PMID: 35402282 (2022)), ovarian cancer (PMID: 31368036 (2019)), large cell calcifying Sertoli cell tumor (PMID: 36929593 (2023)), and unspecified cancer (PMID: 31853058 (2020)). A functional study demonstrated that this variant had an inconclusive effect on protein function (PMID: 39779857 (2025)). This variant has not been reported in large, multi-ethnic general populations (Genome Aggregation Database). Analysis of this variant using software algorithms for the prediction of the effect of nucleotide changes on BRCA2 mRNA splicing yielded inconclusive findings. Based on the available information, we are unable to determine the clinical significance of this variant.

First Genomix Gene Laboratory, Genetic Diagnostics Department
Classification: Likely pathogenic for Breast-ovarian cancer, familial, susceptibility to, 2. Last evaluated: 2025-01-17. Review status: criteria provided, single submitter. Criteria: ACMG Guidelines, 2015. Collection method: clinical testing. Allele origin: germline. Inheritance: Autosomal dominant inheritance. Affected: no. Observed: 1 variant allele.

Ambry Genetics
Classification: Likely pathogenic for Hereditary cancer-predisposing syndrome. Last evaluated: 2024-12-11. Review status: criteria provided, single submitter. Criteria: Ambry Variant Classification Scheme 2023. Collection method: clinical testing. Allele origin: germline.
Comment: The c.8332-3C>G intronic variant results from a C to G substitution 3 nucleotides upstream from coding exon 18 in the BRCA2 gene. This alteration was identified in an individual diagnosed with ovarian cancer (Bernstein-Molho R et al. Breast Cancer Res Treat, 2019 Nov;178:231-237). This variant is considered to be rare based on population cohorts in the Genome Aggregation Database (gnomAD). This nucleotide position is not well conserved in available vertebrate species. In silico splice site analysis predicts that this alteration will weaken the native splice acceptor site. RNA studies have demonstrated that this alteration results in abnormal splicing in the set of samples tested (Ambry internal data). Based on the majority of available evidence to date, this variant is likely to be pathogenic.

Baylor Genetics
Classification: Uncertain significance for Familial cancer of breast. Last evaluated: 2023-04-06. Review status: criteria provided, single submitter. Criteria: ACMG Guidelines, 2015. Collection method: clinical testing. Allele origin: unknown.

Literature cited by the submitters: PubMed 31368036 (cited by 3 submitters); PubMed 17576681 (cited by Labcorp Genetics (formerly Invitae), Labcorp); PubMed 9536098 (cited by Labcorp Genetics (formerly Invitae), Labcorp); PubMed 12442275 (cited by Labcorp Genetics (formerly Invitae), Labcorp); PubMed 15889636 (cited by Labcorp Genetics (formerly Invitae), Labcorp); PubMed 16030099 (cited by Labcorp Genetics (formerly Invitae), Labcorp); PubMed 23108138 (cited by Labcorp Genetics (formerly Invitae), Labcorp); PubMed 23233716 (cited by Labcorp Genetics (formerly Invitae), Labcorp); PubMed 23479189 (cited by Labcorp Genetics (formerly Invitae), Labcorp); PubMed 25777348 (cited by Labcorp Genetics (formerly Invitae), Labcorp); PubMed 39779857 (cited by Quest Diagnostics Nichols Institute San Juan Capistrano); PubMed 31853058 (cited by Quest Diagnostics Nichols Institute San Juan Capistrano); PubMed 35402282 (cited by Quest Diagnostics Nichols Institute San Juan Capistrano); PubMed 36929593 (cited by Quest Diagnostics Nichols Institute San Juan Capistrano).

NM_000059.4(BRCA2):c.8332-3C>G

Gene: BRCA2 (BRCA2 DNA repair associated; plus strand). Cytogenetic location: 13q13.1.
Variant type: single nucleotide variant.
Coding change: c.8332-3C>G on transcript NM_000059.4 (MANE Select); 3 bases into the intron before coding-DNA position 8332, C replaced by G.
Molecular consequence: intron variant.
Genome position (GRCh38, 1-based): chr13:32,370,399, C>G. VCF-style: chr13-32370399-C-G. GRCh37 (hg19) VCF-style: chr13-32944536-C-G.
Identifiers: ClinVar variation 141899 (VCV000141899.20), dbSNP rs587782093, ClinGen allele CA025586.